The following is an entry in ClinVar:

NM_001163560.3(MEIOB):c.782T>C (p.Ile261Thr)

Gene: MEIOB (meiosis specific with OB-fold; minus strand). Cytogenetic location: 16p13.3.
Variant type: single nucleotide variant.
Coding change: c.782T>C on transcript NM_001163560.3 (MANE Select); coding-DNA position 782, T replaced by C.
Protein change: p.Ile261Thr; replaces isoleucine 261 with threonine.
Molecular consequence: missense variant.
Genome position (GRCh38, 1-based): chr16:1,844,960, A>G on the plus strand (T>C on the coding strand, the complement: MEIOB is on the minus strand). VCF-style: chr16-1844960-A-G. GRCh37 (hg19) VCF-style: chr16-1894961-A-G.
Other names: c.782T>C, p.Ile261Thr (NM_152764.3); short protein forms I261T.
Identifiers: ClinVar variation 1228722 (VCV001228722.6), dbSNP rs9806945, ClinGen allele CA7821864.
Genomic context (GRCh38, chr16:1,844,960, plus strand): 5'-TCCAGAACATTCGTTTCTTTATTTTCTCGTATAAAATTCAGCAGAATGTTAGCTTCTGGT[A>G]TATCTTAAATTGAAAATGCATAATAAGTAAAAAGCAAACTGATTATCATTTAAATCACAT-3'
Protein context (NP_001157032.1, residues 251-271): SKTIITTNPD[Ile261Thr]PEANILLNFI

ClinVar aggregate classification (germline): Benign. Review status: criteria provided, multiple submitters, no conflicts (2 of 4 stars). 3 submissions from 3 submitters: Benign (2). 1 of the submissions does not count toward it. Last evaluated 2019-04-19.

Conditions:
MEIOB-related disorder. Also called: MEIOB-related condition.

Allele frequency attached by ClinVar (database versions not stated): gnomAD exomes 0.15518 and 0.17713; ESP Exome Variant Server 0.16270; TOPMed 0.16605; gnomAD 0.17559 and 0.17826; ExAC 0.19890; 1000 Genomes Project 30x 0.20019; 1000 Genomes Project 0.20168.

Submissions (3):

GeneDx
Classification: Benign. Last evaluated: 2019-04-19. Review status: criteria provided, single submitter. Criteria: GeneDx Variant Classification Process June 2021. Collection method: clinical testing. Allele origin: germline. Affected: yes.
Comment: This variant is associated with the following publications: (PMID: 30679340)

Breakthrough Genomics
Classification: Benign. Review status: criteria provided, single submitter. Criteria: ACMG Guidelines, 2015. Collection method: not provided. Allele origin: germline. Inheritance: Autosomal recessive inheritance. Affected: yes.

PreventionGenetics, part of Exact Sciences
Classification: Benign for MEIOB-related condition. Last evaluated: 2019-10-23. Review status: no assertion criteria provided. Collection method: clinical testing. Allele origin: germline. Not counted in ClinVar's aggregate classification.
Comment: This variant is classified as benign based on ACMG/AMP sequence variant interpretation guidelines (Richards et al. 2015 PMID: 25741868, with internal and published modifications).